The following is an entry in ClinVar:

NM_000245.4(MET):c.1159C>T (p.Gln387Ter)

Gene: MET (MET proto-oncogene, receptor tyrosine kinase; plus strand). Cytogenetic location: 7q31.2.
Variant type: single nucleotide variant.
Coding change: c.1159C>T on transcript NM_000245.4 (MANE Select); coding-DNA position 1159, C replaced by T.
Protein change: p.Gln387Ter; replaces glutamine 387 with a stop codon.
Molecular consequence: nonsense. On other transcripts: intron variant (1).
Genome position (GRCh38, 1-based): chr7:116,700,243, C>T. VCF-style: chr7-116700243-C-T. GRCh37 (hg19) VCF-style: chr7-116340297-C-T.
Other names: c.1159C>T, p.Gln387Ter (NM_001127500.3, NM_001324401.3); c.-91+27666C>T (NM_001324402.2); short protein forms Q387*.
Identifiers: ClinVar variation 818438 (VCV000818438.14), dbSNP rs757846126, ClinGen allele CA4448079.
Genomic context (GRCh38, chr7:116,700,243, plus strand): 5'-ATCAAATATGTCAACGACTTCTTCAACAAGATCGTCAACAAAAACAATGTGAGATGTCTC[C>T]AGCATTTTTACGGACCCAATCATGAGCACTGCTTTAATAGGGTAAGTCACATCAGTTCCC-3'

ClinVar aggregate classification (germline): Uncertain significance. Review status: criteria provided, multiple submitters, no conflicts (2 of 4 stars). 3 submissions from 3 submitters: Uncertain significance (3). Last evaluated 2025-02-16.

Conditions:
Renal cell carcinoma. Identifiers: Orphanet 217071, MedGen C0007134, MeSH D002292, MONDO:0005086, HP:0005584.
Hereditary cancer-predisposing syndrome. Also called: Tumor predisposition; Hereditary neoplastic syndrome; Neoplastic Syndromes, Hereditary; Hereditary Cancer Syndrome. Identifiers: Orphanet 140162, MedGen C0027672, MeSH D009386, MONDO:0015356.

Allele frequency attached by ClinVar (database versions not stated): gnomAD exomes below 0.00001; ExAC 0.00001; gnomAD 0.00001; TOPMed 0.00002.
gnomAD v4.1: 6 of 1,602,028 alleles (0.00037%); highest among the groups gnomAD compares: African/African-American, 0.004%; no homozygotes.

Submissions (3):

Labcorp Genetics (formerly Invitae), Labcorp
Classification: Uncertain significance for Renal cell carcinoma. Last evaluated: 2025-02-16. Review status: criteria provided, single submitter. Criteria: Invitae Variant Classification Sherloc (09022015). Collection method: clinical testing. Allele origin: germline.
Comment: This sequence change creates a premature translational stop signal (p.Gln387*) in the MET gene. It is expected to result in an absent or disrupted protein product. However, the current clinical and genetic evidence is not sufficient to establish whether loss-of-function variants in MET cause disease. This variant is present in population databases (rs757846126, gnomAD 0.007%). This variant has not been reported in the literature in individuals affected with MET-related conditions. ClinVar contains an entry for this variant (Variation ID: 818438). Algorithms developed to predict the effect of sequence changes on RNA splicing suggest that this variant may disrupt the consensus splice site. In summary, the available evidence is currently insufficient to determine the role of this variant in disease. Therefore, it has been classified as a Variant of Uncertain Significance.

Ambry Genetics
Classification: Uncertain significance for Hereditary cancer-predisposing syndrome. Last evaluated: 2024-07-03. Review status: criteria provided, single submitter. Criteria: Ambry Variant Classification Scheme 2023. Collection method: clinical testing. Allele origin: germline.
Comment: The p.Q387* variant (also known as c.1159C>T), located in coding exon 1 of the MET gene, results from a C to T substitution at nucleotide position 1159. This changes the amino acid from a glutamine to a stop codon within coding exon 1.This alteration is expected to result in premature protein truncation or nonsense-mediated mRNA decay. However, loss of function of MET has not been clearly established as a mechanism of disease. Based on the available evidence, the clinical significance of this variant remains unclear.

GeneDx
Classification: Uncertain significance. Last evaluated: 2021-03-03. Review status: criteria provided, single submitter. Criteria: GeneDx Variant Classification Process June 2021. Collection method: clinical testing. Allele origin: germline. Affected: yes.
Comment: Not observed at a significant frequency in large population cohorts (Lek et al., 2016); Has not been previously reported as a pathogenic or benign germline variant to our knowledge; Nonsense variant predicted to result in protein truncation or nonsense mediated decay in a gene for which loss-of-function is not a known mechanism of disease; This variant is associated with the following publications: (PMID: 27756406)